The following is an entry in ClinVar:

NM_001128840.3(CACNA1D):c.2261A>G (p.Asn754Ser)

Gene: CACNA1D (calcium voltage-gated channel subunit alpha1 D; plus strand). Cytogenetic location: 3p21.1.
Variant type: single nucleotide variant.
Coding change: c.2261A>G on transcript NM_001128840.3 (MANE Select); coding-DNA position 2261, A replaced by G.
Protein change: p.Asn754Ser; replaces asparagine 754 with serine.
Molecular consequence: missense variant.
Genome position (GRCh38, 1-based): chr3:53,730,481, A>G. VCF-style: chr3-53730481-A-G. GRCh37 (hg19) VCF-style: chr3-53764508-A-G.
Other names: c.2321A>G, p.Asn774Ser (NM_000720.4); c.2261A>G, p.Asn754Ser (NM_001128839.3); short protein forms N754S, N774S.
Identifiers: ClinVar variation 667203 (VCV000667203.7), dbSNP rs1316050748, ClinGen allele CA353240463.

ClinVar aggregate classification (germline): Uncertain significance. Review status: criteria provided, multiple submitters, no conflicts (2 of 4 stars). 2 submissions from 2 submitters: Uncertain significance (2). Last evaluated 2023-07-19.

Allele frequency attached by ClinVar (database versions not stated): gnomAD 0.00001; gnomAD exomes below 0.00001; TOPMed below 0.00001.
gnomAD v4.1: 3 of 1,614,034 alleles (0.00019%); highest among the groups gnomAD compares: East Asian, 0.0022%; no homozygotes.

Submissions (2):

Labcorp Genetics (formerly Invitae), Labcorp
Classification: Uncertain significance. Last evaluated: 2023-07-19. Review status: criteria provided, single submitter. Criteria: Invitae Variant Classification Sherloc (09022015). Collection method: clinical testing. Allele origin: germline.
Comment: This sequence change replaces asparagine, which is neutral and polar, with serine, which is neutral and polar, at codon 774 of the CACNA1D protein (p.Asn774Ser). This variant is not present in population databases (gnomAD no frequency). This variant has not been reported in the literature in individuals affected with CACNA1D-related conditions. ClinVar contains an entry for this variant (Variation ID: 667203). Advanced modeling of protein sequence and biophysical properties (such as structural, functional, and spatial information, amino acid conservation, physicochemical variation, residue mobility, and thermodynamic stability) performed at Invitae indicates that this missense variant is not expected to disrupt CACNA1D protein function. Algorithms developed to predict the effect of sequence changes on RNA splicing suggest that this variant may create or strengthen a splice site. In summary, the available evidence is currently insufficient to determine the role of this variant in disease. Therefore, it has been classified as a Variant of Uncertain Significance.

Laboratory for Molecular Medicine, Mass General Brigham Personalized Medicine
Classification: Uncertain significance. Last evaluated: 2018-10-09. Review status: criteria provided, single submitter. Criteria: LMM Criteria. Collection method: clinical testing. Allele origin: germline. Observed: 1 variant allele.
Comment: The p.Asn774Ser variant in CACNA1D has not been previously reported in individua ls with hearing loss and was absent from large population studies. Computational prediction tools and conservation analysis suggest that this variant may impact the protein, though this information is not predictive enough to determine path ogenicity. In summary, the clinical significance of the p.Asn774Ser variant is u ncertain. ACMG/AMP Criteria applied: PM2, PP3.